The following is an entry in ClinVar:

ClinVar aggregate classification (germline): Benign. Review status: criteria provided, single submitter (1 of 4 stars). 2 submissions from 2 submitters: Benign (1). 1 of the submissions does not count toward it. Last evaluated 2021-05-10.

Conditions:
Familial colorectal cancer. Identifiers: MedGen CN280943, MONDO:0023113. Disease mechanism: loss of function.

Allele frequency attached by ClinVar (database versions not stated): gnomAD 0.11703 and 0.11888; 1000 Genomes Project 30x 0.11930; TOPMed 0.11670; 1000 Genomes Project 0.12021.
gnomAD v4.1: 17,775 of 152,128 alleles (12%); highest among the groups gnomAD compares: African/African-American, 16%; 1,099 homozygotes.

Submissions (2):

GeneDx
Classification: Benign. Last evaluated: 2021-05-10. Review status: criteria provided, single submitter. Criteria: GeneDx Variant Classification Process June 2021. Collection method: clinical testing. Allele origin: germline. Affected: yes.

Systems Biology Platform Zhejiang California International NanoSystems Institute
Classification: other for Familial colorectal cancer. Review status: no assertion criteria provided. Collection method: not provided. Allele origin: unknown. Not counted in ClinVar's aggregate classification.
ClinVar note: Converted during submission from cancer to other.

NM_000038.6(APC):c.933+916T>G

Gene: APC (APC regulator of WNT signaling pathway; plus strand). Cytogenetic location: 5q22.2.
Variant type: single nucleotide variant.
Coding change: c.933+916T>G on transcript NM_000038.6 (MANE Select); 916 bases into the intron after coding-DNA position 933, T replaced by G.
Molecular consequence: intron variant.
Genome position (GRCh38, 1-based): chr5:112,816,509, T>G. VCF-style: chr5-112816509-T-G. GRCh37 (hg19) VCF-style: chr5-112152206-T-G.
Other names: c.933+916T>G (NM_001354895.2, NM_001127510.3, NM_001354896.2 and 1 more transcripts); c.963+916T>G (NM_001354897.2, NM_001354902.2); c.879+916T>G (NM_001127511.3); c.858+916T>G (NM_001354898.2, NM_001354904.2); c.84+916T>G (NM_001354906.2); c.849+916T>G (NM_001354899.2); c.756+916T>G (NM_001354900.2, NM_001354901.2, NM_001354905.2).
Identifiers: ClinVar variation 82560 (VCV000082560.3), dbSNP rs17134960, ClinGen allele CA015779.